The following is an entry in ClinVar:

NM_017763.6(RNF43):c.451-12T>C

Gene: RNF43 (ring finger protein 43; minus strand). Cytogenetic location: 17q22.
Variant type: single nucleotide variant.
Coding change: c.451-12T>C on transcript NM_017763.6 (MANE Select); 12 bases into the intron before coding-DNA position 451, T replaced by C.
Molecular consequence: intron variant.
Genome position (GRCh38, 1-based): chr17:58,363,418, A>G on the plus strand (T>C on the coding strand, the complement: RNF43 is on the minus strand). VCF-style: chr17-58363418-A-G. GRCh37 (hg19) VCF-style: chr17-56440779-A-G.
Other names: c.451-12T>C (NM_001438822.1, NM_001305544.3, NM_001438820.1 and 1 more transcripts); c.70-12T>C (NM_001305545.2, NM_001437987.1).
Identifiers: ClinVar variation 4875721 (VCV004875721.1).

ClinVar aggregate classification (germline): Likely benign (1 of 4 stars; one submission).

Conditions:
Sessile serrated polyposis cancer syndrome (SSPCS). Identifiers: Orphanet 157798, MedGen C4310714, MONDO:0014919, OMIM 617108.

gnomAD v4.1: 1 of 1,614,116 alleles (0.000062%); highest among the groups gnomAD compares: South Asian, 0.0011%; no homozygotes.

Submission:

Myriad Genetics, Inc.
Classification: Likely benign for Sessile serrated polyposis cancer syndrome. Last evaluated: 2026-06-26. Review status: criteria provided, single submitter. Criteria: Myriad Autosomal Dominant, Autosomal Recessive and X-Linked Classification Criteria (2023). Collection method: clinical testing. Allele origin: unknown.
Comment: This variant is considered likely benign. This variant is intronic and is not expected to impact mRNA splicing.